The following is an entry in ClinVar:

NM_181789.4(GLDN):c.1473G>A (p.Arg491=)

Gene: GLDN (gliomedin; plus strand). Cytogenetic location: 15q21.2.
Variant type: single nucleotide variant.
Coding change: c.1473G>A on transcript NM_181789.4 (MANE Select); coding-DNA position 1473, G replaced by A.
Protein change: p.Arg491=; no amino-acid change (arginine 491 retained).
Molecular consequence: synonymous variant.
Genome position (GRCh38, 1-based): chr15:51,404,571, G>A. VCF-style: chr15-51404571-G-A. GRCh37 (hg19) VCF-style: chr15-51696768-G-A.
Other names: c.1101G>A, p.Arg367= (NM_001330297.2).
Identifiers: ClinVar variation 3051096 (VCV003051096.2), dbSNP rs141622986, ClinGen allele CA7560771.

ClinVar aggregate classification (germline): Likely benign (0 of 4 stars; one submission).

Conditions:
GLDN-related disorder. Also called: GLDN-related condition.

Allele frequency attached by ClinVar (database versions not stated): ExAC 0.00016; gnomAD exomes 0.00020; ESP Exome Variant Server 0.00031.
gnomAD v4.1: 338 of 1,613,876 alleles (0.021%); highest among the groups gnomAD compares: Admixed American, 0.033%; no homozygotes.

Submission:

PreventionGenetics, part of Exact Sciences
Classification: Likely benign for GLDN-related condition. Last evaluated: 2020-03-04. Review status: no assertion criteria provided. Collection method: clinical testing. Allele origin: germline.
Comment: This variant is classified as likely benign based on ACMG/AMP sequence variant interpretation guidelines (Richards et al. 2015 PMID: 25741868, with internal and published modifications).